The following is an entry in ClinVar:

NM_080680.3(COL11A2):c.2684G>C (p.Gly895Ala)

Gene: COL11A2 (collagen type XI alpha 2 chain; minus strand). Cytogenetic location: 6p21.32.
Variant type: single nucleotide variant.
Coding change: c.2684G>C on transcript NM_080680.3 (MANE Select); coding-DNA position 2684, G replaced by C.
Protein change: p.Gly895Ala; replaces glycine 895 with alanine.
Molecular consequence: missense variant.
Genome position (GRCh38, 1-based): chr6:33,173,400, C>G on the plus strand (G>C on the coding strand, the complement: COL11A2 is on the minus strand). VCF-style: chr6-33173400-C-G. GRCh37 (hg19) VCF-style: chr6-33141177-C-G.
Other names: c.2363G>C, p.Gly788Ala (NM_080679.3); c.2426G>C, p.Gly809Ala (NM_080681.3); short protein forms G895A, G788A, G809A.
Identifiers: ClinVar variation 356398 (VCV000356398.18), dbSNP rs555936455, ClinGen allele CA3750764.

ClinVar aggregate classification (germline): Uncertain significance. Review status: criteria provided, multiple submitters, no conflicts (2 of 4 stars). 8 submissions from 7 submitters: Uncertain significance (8). Last evaluated 2026-05-12.

Conditions:
COL11A2-related disorder. Also called: COL11A2-related condition; COL11A2-related disorders.
Fibrochondrogenesis 2 (FBCG2). Identifiers: Orphanet 2021, MedGen C3281128, MONDO:0013795, OMIM 614524.
Otospondylomegaepiphyseal dysplasia, autosomal recessive (OSMEDB). Also called: Insley-Astley syndrome; CHONDRODYSTROPHY WITH SENSORINEURAL DEAFNESS. Identifiers: Orphanet 1427, MedGen CN034493, MONDO:0044206, OMIM 215150.

Allele frequency attached by ClinVar (database versions not stated): ExAC 0.00004; gnomAD exomes 0.00004; TOPMed 0.00004; gnomAD 0.00006 and 0.00007; 1000 Genomes Project 30x 0.00031; 1000 Genomes Project 0.00040.
gnomAD v4.1: 118 of 1,613,054 alleles (0.0073%); highest among the groups gnomAD compares: Non-Finnish European, 0.0091%; no homozygotes.

Submissions (8):

Women's Health and Genetics/Laboratory Corporation of America, LabCorp
Classification: Uncertain significance. Last evaluated: 2026-05-12. Review status: criteria provided, single submitter. Criteria: LabCorp Variant Classification Summary - May 2015. Collection method: clinical testing. Allele origin: germline.

Labcorp Genetics (formerly Invitae), Labcorp
Classification: Uncertain significance. Last evaluated: 2026-01-11. Review status: criteria provided, single submitter. Criteria: Invitae Variant Classification Sherloc (09022015). Collection method: clinical testing. Allele origin: germline.
Comment: This sequence change replaces glycine, which is neutral and non-polar, with alanine, which is neutral and non-polar, at codon 895 of the COL11A2 protein (p.Gly895Ala). This variant is present in population databases (rs555936455, gnomAD 0.007%). This variant has not been reported in the literature in individuals affected with COL11A2-related conditions. ClinVar contains an entry for this variant (Variation ID: 356398). An algorithm developed to predict the effect of missense changes on protein structure and function (PolyPhen-2) suggests that this variant is likely to be disruptive. In summary, the available evidence is currently insufficient to determine the role of this variant in disease. Therefore, it has been classified as a Variant of Uncertain Significance.

Dasa
Classification: Uncertain significance. Last evaluated: 2025-11-10. Review status: criteria provided, single submitter. Criteria: DASA Assertion Criteria. Collection method: clinical testing. Allele origin: germline.
Comment: NM_080680.3(COL11A2):c.2684G>C (p.Gly895Ala) is a missense variant that results in the substitution of glycine with alanine. This variant is rare in population databases. Computational prediction algorithms are consistent with a deleterious effect. The currently available literature and clinical evidence are not sufficient to establish a definitive association between this variant and the reported condition. Therefore, this variant is classified as a variant of uncertain significance.

PreventionGenetics, part of Exact Sciences
Classification: Uncertain significance for COL11A2-related condition. Last evaluated: 2025-11-07. Review status: criteria provided, single submitter. Criteria: ACMG Guidelines, 2015. Collection method: clinical testing. Allele origin: germline.
Comment: The COL11A2 c.2684G>C variant is predicted to result in the amino acid substitution p.Gly895Ala. To our knowledge, this variant has not been reported in the literature. The p.Gly895 amino acid is located in the conserved Gly-Xaa-Yaa triple helical domain where substitutions of a glycine may disrupt protein folding, although pathogenicity has not been clearly established for all glycine substitutions across the region (amino acid residues 487-1500). This variant is reported in 0.0073% of alleles in individuals of European (Non-Finnish) descent in gnomAD, including 118 heterozygotes in the larger gnomAD v4.1.0 database. At this time, the clinical significance of this variant is uncertain due to the absence of conclusive functional and genetic evidence.

Blueprint Genetics
Classification: Uncertain significance. Last evaluated: 2024-03-27. Review status: criteria provided, single submitter. Criteria: ACMG Guidelines, 2015. Collection method: clinical testing. Allele origin: germline.

GeneDx
Classification: Uncertain significance. Last evaluated: 2023-12-20. Review status: criteria provided, single submitter. Criteria: GeneDx Variant Classification Process June 2021. Collection method: clinical testing. Allele origin: germline. Affected: yes.
Comment: In silico analysis supports that this missense variant has a deleterious effect on protein structure/function; Has not been previously published as pathogenic or benign to our knowledge

Illumina Laboratory Services, Illumina
Classification: Uncertain significance for Fibrochondrogenesis 2. Last evaluated: 2018-01-12. Review status: criteria provided, single submitter. Criteria: ICSL Variant Classification Criteria 13 December 2019. Collection method: clinical testing. Allele origin: germline.

Illumina Laboratory Services, Illumina
Classification: Uncertain significance for Otospondylomegaepiphyseal dysplasia, autosomal recessive. Last evaluated: 2018-01-12. Review status: criteria provided, single submitter. Criteria: ICSL Variant Classification Criteria 13 December 2019. Collection method: clinical testing. Allele origin: germline.